The following is an entry in ClinVar:

ClinVar aggregate classification (germline): Uncertain significance. Review status: criteria provided, multiple submitters, no conflicts (2 of 4 stars). 3 submissions from 3 submitters: Uncertain significance (3). Last evaluated 2025-11-09.

Conditions:
Hereditary cancer-predisposing syndrome. Also called: Hereditary neoplastic syndrome; Tumor predisposition; Neoplastic Syndromes, Hereditary; Hereditary Cancer Syndrome. Identifiers: Orphanet 140162, MedGen C0027672, MeSH D009386, MONDO:0015356.
Birt-Hogg-Dube syndrome. Also called: Birt Hogg Dubé syndrome. Identifiers: Orphanet 122, MedGen C0346010, MONDO:0800444.
Birt-Hogg-Dube syndrome 1 (BHD1). Also called: FIBROFOLLICULOMAS WITH TRICHODISCOMAS AND ACROCHORDONS. Identifiers: Orphanet 122, MedGen CN375946, MONDO:0800445, OMIM 135150.

Allele frequency attached by ClinVar (database versions not stated): gnomAD exomes below 0.00001; TOPMed below 0.00001; gnomAD 0.00001.
gnomAD v4.1: 3 of 1,613,928 alleles (0.00019%); highest among the groups gnomAD compares: Non-Finnish European, 0.00025%; no homozygotes.

Submissions (3):

Labcorp Genetics (formerly Invitae), Labcorp
Classification: Uncertain significance for Birt-Hogg-Dube syndrome. Last evaluated: 2025-11-09. Review status: criteria provided, single submitter. Criteria: Invitae Variant Classification Sherloc (09022015). Collection method: clinical testing. Allele origin: germline.
Comment: This sequence change replaces lysine, which is basic and polar, with glutamic acid, which is acidic and polar, at codon 485 of the FLCN protein (p.Lys485Glu). This variant is not present in population databases (gnomAD no frequency). This variant has not been reported in the literature in individuals affected with FLCN-related conditions. ClinVar contains an entry for this variant (Variation ID: 855770). Invitae Evidence Modeling of protein sequence and biophysical properties (such as structural, functional, and spatial information, amino acid conservation, physicochemical variation, residue mobility, and thermodynamic stability) indicates that this missense variant is not expected to disrupt FLCN protein function with a negative predictive value of 80%. In summary, the available evidence is currently insufficient to determine the role of this variant in disease. Therefore, it has been classified as a Variant of Uncertain Significance.

Ambry Genetics
Classification: Uncertain significance for Hereditary cancer-predisposing syndrome. Last evaluated: 2025-09-27. Review status: criteria provided, single submitter. Criteria: Ambry Variant Classification Scheme 2023. Collection method: clinical testing. Allele origin: germline.
Comment: The p.K485E variant (also known as c.1453A>G), located in coding exon 10 of the FLCN gene, results from an A to G substitution at nucleotide position 1453. The lysine at codon 485 is replaced by glutamic acid, an amino acid with similar properties. This amino acid position is highly conserved in available vertebrate species. In addition, this alteration is predicted to be deleterious by in silico analysis. Since supporting evidence is limited at this time, the clinical significance of this alteration remains unclear.

Baylor Genetics
Classification: Uncertain significance for Birt-Hogg-Dube syndrome 1. Last evaluated: 2024-02-26. Review status: criteria provided, single submitter. Criteria: ACMG Guidelines, 2015. Collection method: clinical testing. Allele origin: unknown.

NM_144997.7(FLCN):c.1453A>G (p.Lys485Glu)

Gene: FLCN (folliculin; minus strand). Cytogenetic location: 17p11.2.
Variant type: single nucleotide variant.
Coding change: c.1453A>G on transcript NM_144997.7 (MANE Select); coding-DNA position 1453, A replaced by G.
Protein change: p.Lys485Glu; replaces lysine 485 with glutamic acid.
Molecular consequence: missense variant.
Genome position (GRCh38, 1-based): chr17:17,215,070, T>C on the plus strand (A>G on the coding strand, the complement: FLCN is on the minus strand). VCF-style: chr17-17215070-T-C. GRCh37 (hg19) VCF-style: chr17-17118384-T-C.
Other names: c.1507A>G, p.Lys503Glu (NM_001353229.2); c.1453A>G, p.Lys485Glu (NM_001353230.2, NM_001353231.2); short protein forms K503E, K485E.
Identifiers: ClinVar variation 855770 (VCV000855770.15), dbSNP rs1448703959, ClinGen allele CA398530995.